The following is an entry in ClinVar:

NC_000012.11:g.(?_110032813)_(110034382_?)del

Gene: MVK (mevalonate kinase; plus strand). Cytogenetic location: 12q24.11.
Variant type: Deletion.
Identifiers: ClinVar variation 2423080 (VCV002423080.3).

ClinVar aggregate classification (germline): Pathogenic (1 of 4 stars; one submission).

Conditions:
Porokeratosis 3, disseminated superficial actinic type (POROK3). Also called: POROKERATOSIS 3, MULTIPLE TYPES; POROKERATOSIS 3, MIBELLI TYPE; POROKERATOSIS, DISSEMINATED SUPERFICIAL ACTINIC, 1. Identifiers: MedGen C1867981, MONDO:0008293, OMIM 175900.
Mevalonic aciduria (MEVA). Identifiers: Orphanet 29, MedGen C1959626, MONDO:0012481, OMIM 610377.
Hyperimmunoglobulin D with periodic fever (HIDS). Also called: Hyperimmunoglobulinemia D with periodic fever; Hyperimmunoglobulinemia D; HYPERIMMUNOGLOBULINEMIA D AND PERIODIC FEVER SYNDROME. Identifiers: Orphanet 343, MedGen C0398691, MONDO:0009849, OMIM 260920.

Submission:

Labcorp Genetics (formerly Invitae), Labcorp
Classification: Pathogenic for Mevalonic aciduria; Hyperimmunoglobulin D with periodic fever; Porokeratosis 3, disseminated superficial actinic type. Last evaluated: 2022-07-19. Review status: criteria provided, single submitter. Criteria: Invitae Variant Classification Sherloc (09022015). Collection method: clinical testing. Allele origin: germline.
Comment: This variant is a gross deletion of the genomic region encompassing exon(s) 10-11 of the MVK gene, which includes the termination codon. This deletion extends beyond the assayed region for this gene and therefore may encompass additional genes. While this deletion is not anticipated to lead to nonsense mediated decay, it is expected to alter mRNA translation or result in a truncated protein product. A similar copy number variant has been observed in individual(s) with clinical features of MVK-related conditions (PMID: 31325964). This variant disrupts a region of the MVK protein in which other variant(s) (p.Arg388*) have been determined to be pathogenic (PMID: 23146290, 23998246, 27012807). This suggests that this is a clinically significant region of the protein, and that variants that disrupt it are likely to be disease-causing. For these reasons, this variant has been classified as Pathogenic.

Literature cited by the submitters: PubMed 31325964; PubMed 23146290; PubMed 23998246; PubMed 27012807.